The following is an entry in ClinVar:

ClinVar aggregate classification (germline): Pathogenic (1 of 4 stars; one submission).

Conditions:
Familial cancer of breast. Also called: hereditary breast carcinoma; BREAST CANCER, FAMILIAL; Hereditary breast cancer. Identifiers: Orphanet 227535, MedGen C0346153, MONDO:0016419, OMIM 114480. Disease mechanism: loss of function.

Submission:

Labcorp Genetics (formerly Invitae), Labcorp
Classification: Pathogenic for Familial cancer of breast. Last evaluated: 2021-09-09. Review status: criteria provided, single submitter. Criteria: Invitae Variant Classification Sherloc (09022015). Collection method: clinical testing. Allele origin: germline.
Comment: This variant is a gross deletion of the genomic region encompassing exon(s) 7 of the BARD1 gene. This deletion is out-of-frame, and is expected to create a premature termination codon and result in an absent or disrupted protein product. Loss-of-function variants in BARD1 are known to be pathogenic (PMID: 20077502, 21344236). This variant has not been reported in the literature in individuals affected with BARD1-related conditions. For these reasons, this variant has been classified as Pathogenic.

Literature cited by the submitters: PubMed 20077502; PubMed 21344236.

NC_000002.11:g.(?_215610976)_(215619002_?)del

Gene: BARD1 (BRCA1 associated RING domain 1; minus strand). Cytogenetic location: 2q35.
Variant type: Deletion.
Identifiers: ClinVar variation 1435522 (VCV001435522.6).